The following is an entry in ClinVar:

ClinVar aggregate classification (germline): Uncertain significance (1 of 4 stars; one submission).

gnomAD v4.1: 38 of 1,614,036 alleles (0.0024%); highest among the groups gnomAD compares: South Asian, 0.0099%; no homozygotes.

Submission:

Labcorp Genetics (formerly Invitae), Labcorp
Classification: Uncertain significance. Last evaluated: 2025-11-25. Review status: criteria provided, single submitter. Criteria: Invitae Variant Classification Sherloc (09022015). Collection method: clinical testing. Allele origin: germline.
Comment: This sequence change replaces glutamic acid, which is acidic and polar, with lysine, which is basic and polar, at codon 898 of the KCNQ5 protein (p.Glu898Lys). This variant is present in population databases (rs764121324, gnomAD 0.01%). This variant has not been reported in the literature in individuals affected with KCNQ5-related conditions. Invitae Evidence Modeling of protein sequence and biophysical properties (such as structural, functional, and spatial information, amino acid conservation, physicochemical variation, residue mobility, and thermodynamic stability) indicates that this missense variant is not expected to disrupt KCNQ5 protein function with a negative predictive value of 95%. In summary, the available evidence is currently insufficient to determine the role of this variant in disease. Therefore, it has been classified as a Variant of Uncertain Significance.

NM_019842.4(KCNQ5):c.2635G>A (p.Glu879Lys)

Gene: KCNQ5 (potassium voltage-gated channel subfamily Q member 5; plus strand). Cytogenetic location: 6q13.
Variant type: single nucleotide variant.
Coding change: c.2635G>A on transcript NM_019842.4 (MANE Select); coding-DNA position 2635, G replaced by A.
Protein change: p.Glu879Lys; replaces glutamic acid 879 with lysine.
Molecular consequence: missense variant.
Genome position (GRCh38, 1-based): chr6:73,195,250, G>A. VCF-style: chr6-73195250-G-A. GRCh37 (hg19) VCF-style: chr6-73904973-G-A.
Other names: c.2608G>A, p.Glu870Lys (NM_001160130.2); c.2665G>A, p.Glu889Lys (NM_001160132.2); c.2692G>A, p.Glu898Lys (NM_001160133.2); c.2305G>A, p.Glu769Lys (NM_001160134.2); short protein forms E769K, E879K, E898K, E889K, E870K.
Identifiers: ClinVar variation 4702723 (VCV004702723.1).